The following is an entry in ClinVar:

ClinVar aggregate classification (germline): Uncertain significance. Review status: criteria provided, multiple submitters, no conflicts (2 of 4 stars). 2 submissions from 2 submitters: Uncertain significance (2). Last evaluated 2023-09-12.

Conditions:
Congenital myasthenic syndrome 8. Also called: Myasthenic syndrome, congenital, 8, with pre- and postsynaptic defects; MYASTHENIC SYNDROME, CONGENITAL, DUE TO AGRIN DEFICIENCY. Identifiers: Orphanet 590, MedGen C3808739, MONDO:0014052, OMIM 615120.

Allele frequency attached by ClinVar (database versions not stated): ExAC 0.00002; gnomAD exomes 0.00002 and 0.00003; gnomAD 0.00006; TOPMed 0.00007; ESP Exome Variant Server 0.00015.
gnomAD v4.1: 57 of 1,612,760 alleles (0.0035%); highest among the groups gnomAD compares: African/African-American, 0.0067%; no homozygotes.

Submissions (2):

Labcorp Genetics (formerly Invitae), Labcorp
Classification: Uncertain significance for Congenital myasthenic syndrome 8. Last evaluated: 2023-09-12. Review status: criteria provided, single submitter. Criteria: Invitae Variant Classification Sherloc (09022015). Collection method: clinical testing. Allele origin: germline.
Comment: In summary, the available evidence is currently insufficient to determine the role of this variant in disease. Therefore, it has been classified as a Variant of Uncertain Significance. An algorithm developed to predict the effect of missense changes on protein structure and function (PolyPhen-2) suggests that this variant is likely to be disruptive. ClinVar contains an entry for this variant (Variation ID: 1029352). This missense change has been observed in individual(s) with high myopia (PMID: 35002215). This variant is present in population databases (rs142783040, gnomAD 0.005%). This sequence change replaces glycine, which is neutral and non-polar, with serine, which is neutral and polar, at codon 1686 of the AGRN protein (p.Gly1686Ser).

Baylor Genetics
Classification: Uncertain significance for Congenital myasthenic syndrome 8. Last evaluated: 2019-01-10. Review status: criteria provided, single submitter. Criteria: ACMG Guidelines, 2015. Collection method: clinical testing. Allele origin: unknown. Affected: yes.
Comment: This variant was determined to be of uncertain significance according to ACMG Guidelines, 2015 [PMID:25741868].

Literature cited by the submitters: PubMed 35002215 (cited by Labcorp Genetics (formerly Invitae), Labcorp).

NM_198576.4(AGRN):c.5056G>A (p.Gly1686Ser)

Gene: AGRN (agrin; plus strand). Cytogenetic location: 1p36.33.
Variant type: single nucleotide variant.
Coding change: c.5056G>A on transcript NM_198576.4 (MANE Select); coding-DNA position 5056, G replaced by A.
Protein change: p.Gly1686Ser; replaces glycine 1686 with serine.
Molecular consequence: missense variant.
Genome position (GRCh38, 1-based): chr1:1,050,506, G>A. VCF-style: chr1-1050506-G-A. GRCh37 (hg19) VCF-style: chr1-985886-G-A.
Other names: c.5056G>A, p.Gly1686Ser (NM_001305275.2); c.4741G>A, p.Gly1581Ser (NM_001364727.2); short protein forms G1581S, G1686S.
Identifiers: ClinVar variation 1029352 (VCV001029352.6), dbSNP rs142783040, ClinGen allele CA509834.